The following is an entry in ClinVar:

ClinVar aggregate classification (germline): Likely pathogenic (1 of 4 stars; one submission).

Conditions:
SLC9A3-related disorder. Also called: SLC9A3-related condition.

Submission:

PreventionGenetics, part of Exact Sciences
Classification: Likely pathogenic for SLC9A3-related condition. Last evaluated: 2026-07-31. Review status: criteria provided, single submitter. Criteria: ACMG Guidelines, 2015. Collection method: clinical testing. Allele origin: germline.
Comment: The SLC9A3 c.2091_2094delinsAAA variant is predicted to result in a frameshift and premature protein termination (p.Lys698Asnfs*33). To our knowledge, this variant has not been reported in the literature or in a large population database (gnomAD), indicating this variant is rare. Frameshift variants in SLC9A3 are expected to be pathogenic. This variant is interpreted as likely pathogenic.

NM_004174.4(SLC9A3):c.2091_2094delinsAAA (p.Lys698fs)

Genes: SLC9A3 (solute carrier family 9 member A3), SLC9A3-AS1 (SLC9A3 antisense RNA 1; plus strand). Cytogenetic location: 5p15.33.
Variant type: Indel.
Coding change: c.2091_2094delinsAAA on transcript NM_004174.4 (MANE Select); coding-DNA positions 2091 to 2094, the reference bases replaced by AAA.
Protein change: p.Lys698fs; shifts the reading frame from lysine 698.
Molecular consequence: frameshift variant.
Genome position: GRCh38 VCF-style: chr5-476066-CTTC-TTT. GRCh37 (hg19) VCF-style: chr5-476181-CTTC-TTT.
Other names: c.2064_2067delinsAAA, p.Lys689fs (NM_001284351.3); short protein forms K698fs, K689fs.
Identifiers: ClinVar variation 4991078 (VCV004991078.1).